The following is an entry in ClinVar:

NM_006231.4(POLE):c.1203G>C (p.Gln401His)

Gene: POLE (DNA polymerase epsilon, catalytic subunit; minus strand). Cytogenetic location: 12q24.33.
Variant type: single nucleotide variant.
Coding change: c.1203G>C on transcript NM_006231.4 (MANE Select); coding-DNA position 1203, G replaced by C.
Protein change: p.Gln401His; replaces glutamine 401 with histidine.
Molecular consequence: missense variant.
Genome position (GRCh38, 1-based): chr12:132,675,421, C>G on the plus strand (G>C on the coding strand, the complement: POLE is on the minus strand). VCF-style: chr12-132675421-C-G. GRCh37 (hg19) VCF-style: chr12-133252007-C-G.
Other names: short protein forms Q401H.
Identifiers: ClinVar variation 405684 (VCV000405684.15), dbSNP rs1060500810, ClinGen allele CA16613656.

ClinVar aggregate classification (germline): Uncertain significance. Review status: criteria provided, multiple submitters, no conflicts (2 of 4 stars). 3 submissions from 3 submitters: Uncertain significance (3). Last evaluated 2025-06-27.

Conditions:
Hereditary cancer-predisposing syndrome. Also called: Hereditary Cancer Syndrome; Hereditary neoplastic syndrome; Neoplastic Syndromes, Hereditary; Tumor predisposition. Identifiers: Orphanet 140162, MedGen C0027672, MeSH D009386, MONDO:0015356.

Submissions (3):

Labcorp Genetics (formerly Invitae), Labcorp
Classification: Uncertain significance. Last evaluated: 2025-06-27. Review status: criteria provided, single submitter. Criteria: Invitae Variant Classification Sherloc (09022015). Collection method: clinical testing. Allele origin: germline.
Comment: This sequence change replaces glutamine, which is neutral and polar, with histidine, which is basic and polar, at codon 401 of the POLE protein (p.Gln401His). This variant is not present in population databases (gnomAD no frequency). This variant has not been reported in the literature in individuals affected with POLE-related conditions. ClinVar contains an entry for this variant (Variation ID: 405684). Invitae Evidence Modeling of protein sequence and biophysical properties (such as structural, functional, and spatial information, amino acid conservation, physicochemical variation, residue mobility, and thermodynamic stability) indicates that this missense variant is not expected to disrupt POLE protein function with a negative predictive value of 80%. In summary, the available evidence is currently insufficient to determine the role of this variant in disease. Therefore, it has been classified as a Variant of Uncertain Significance.

Ambry Genetics
Classification: Uncertain significance for Hereditary cancer-predisposing syndrome. Last evaluated: 2025-05-07. Review status: criteria provided, single submitter. Criteria: Ambry Variant Classification Scheme 2023. Collection method: clinical testing. Allele origin: germline.
Comment: The p.Q401H variant (also known as c.1203G>C), located in coding exon 12 of the POLE gene, results from a G to C substitution at nucleotide position 1203. The glutamine at codon 401 is replaced by histidine, an amino acid with highly similar properties. This amino acid position is well conserved in available vertebrate species. In addition, the in silico prediction for this alteration is inconclusive. Based on the available evidence, the clinical significance of this variant remains unclear.

GeneDx
Classification: Uncertain significance. Last evaluated: 2024-01-22. Review status: criteria provided, single submitter. Criteria: GeneDx Variant Classification Process June 2021. Collection method: clinical testing. Allele origin: germline. Affected: yes.
Comment: Not observed at significant frequency in large population cohorts (gnomAD); In silico analysis supports that this missense variant does not alter protein structure/function; Has not been previously published as pathogenic or benign to our knowledge; This variant is associated with the following publications: (PMID: 20951805)